The following is an entry in ClinVar:

ClinVar aggregate classification (germline): Uncertain significance (1 of 4 stars; one submission).

Conditions:
Lafora disease. Also called: Epilepsy progressive myoclonic 2; Progressive Myoclonus Epilepsy, Lafora Type. Identifiers: Orphanet 501, MedGen C0751783, MONDO:0009697.

Allele frequency attached by ClinVar (database versions not stated): gnomAD exomes below 0.00001; ExAC 0.00001; gnomAD 0.00001; TOPMed 0.00005.
gnomAD v4.1: 7 of 1,613,956 alleles (0.00043%); highest among the groups gnomAD compares: Non-Finnish European, 0.00059%; no homozygotes.

Submission:

Labcorp Genetics (formerly Invitae), Labcorp
Classification: Uncertain significance for Lafora disease. Last evaluated: 2019-03-28. Review status: criteria provided, single submitter. Criteria: Invitae Variant Classification Sherloc (09022015). Collection method: clinical testing. Allele origin: germline.
Comment: In summary, the available evidence is currently insufficient to determine the role of this variant in disease. Therefore, it has been classified as a Variant of Uncertain Significance. Algorithms developed to predict the effect of missense changes on protein structure and function output the following: SIFT: "Tolerated"; PolyPhen-2: "Benign"; Align-GVGD: "Class C0". The serine amino acid residue is found in multiple mammalian species, suggesting that this missense change does not adversely affect protein function. These predictions have not been confirmed by published functional studies and their clinical significance is uncertain. This variant has not been reported in the literature in individuals with NHLRC1-related conditions. This variant is present in population databases (rs752220824, ExAC 0.002%). This sequence change replaces glycine with serine at codon 305 of the NHLRC1 protein (p.Gly305Ser). The glycine residue is highly conserved and there is a small physicochemical difference between glycine and serine.

NM_198586.3(NHLRC1):c.913G>A (p.Gly305Ser)

Gene: NHLRC1 (NHL repeat containing E3 ubiquitin protein ligase 1; minus strand). Cytogenetic location: 6p22.3.
Variant type: single nucleotide variant.
Coding change: c.913G>A on transcript NM_198586.3 (MANE Select); coding-DNA position 913, G replaced by A.
Protein change: p.Gly305Ser; replaces glycine 305 with serine.
Molecular consequence: missense variant.
Genome position (GRCh38, 1-based): chr6:18,121,694, C>T on the plus strand (G>A on the coding strand, the complement: NHLRC1 is on the minus strand). VCF-style: chr6-18121694-C-T. GRCh37 (hg19) VCF-style: chr6-18121925-C-T.
Other names: short protein forms G305S.
Identifiers: ClinVar variation 946219 (VCV000946219.10), dbSNP rs752220824, ClinGen allele CA3649905.